The following is an entry in ClinVar:

NM_001005242.3(PKP2):c.2253del (p.Cys752fs)

Gene: PKP2 (plakophilin 2; minus strand). Cytogenetic location: 12p11.21.
Variant type: Deletion.
Coding change: c.2253del on transcript NM_001005242.3 (MANE Select); coding-DNA position 2253, one base deleted (C; older notation c.2253delC).
Protein change: p.Cys752fs; shifts the reading frame from cysteine 752.
Molecular consequence: frameshift variant.
Genome position (GRCh38, 1-based): chr12:32,796,213, G deleted on the plus strand (C on the coding strand, the reverse complement: PKP2 is on the minus strand); the first of 2 consecutive G bases (chr12:32,796,213-32,796,214); deleting either gives the same sequence. VCF-style (leftmost placement, unchanged base first): chr12-32796212-AG-A. GRCh37 (hg19) VCF-style: chr12-32949146-AG-A.
Other names: c.2385delC (NM_004572.3); c.2385del, p.Cys796fs (NM_004572.4); short protein forms C796fs, C752fs.
Identifiers: ClinVar variation 202008 (VCV000202008.2), dbSNP rs794729118, ClinGen allele CA011978.

ClinVar aggregate classification (germline): Pathogenic. Review status: criteria provided, multiple submitters, no conflicts (2 of 4 stars). 2 submissions from 2 submitters: Pathogenic (2). Last evaluated 2025-08-04.

Conditions:
Cardiomyopathy (CMYO). Also called: Cardiomyopathies. Identifiers: Orphanet 167848, MedGen C0878544, MONDO:0004994, HP:0001638. Inheritance: Various modes of inheritance.

Submissions (2):

Color Diagnostics, LLC DBA Color Health
Classification: Pathogenic for Cardiomyopathy. Last evaluated: 2025-08-04. Review status: criteria provided, single submitter. Criteria: ACMG Guidelines, 2015. Collection method: clinical testing. Allele origin: germline.
Comment: This variant deletes 1 nucleotide in exon 12 of the PKP2 gene, creating a frameshift and premature translation stop signal. This variant is expected to result in an absent or non-functional protein product. To our knowledge, this variant has not been reported in individuals affected with PKP2-related disorders in the literature. This variant has been identified in 1/251444 chromosomes in the general population by the Genome Aggregation Database (gnomAD). Loss of PKP2 function is a known mechanism of disease. Based on the available evidence, this variant is classified as Pathogenic.

GeneDx
Classification: Pathogenic. Last evaluated: 2013-10-25. Review status: criteria provided, single submitter. Criteria: GeneDx Variant Classification (06012015). Collection method: clinical testing. Allele origin: germline. Affected: yes.
Comment: This mutation is denoted c.2385delC at the cDNA level or at the protein level as p.Cys796ValfsX4. The normal sequence with the base that is deleted in braces is: GTCG{C}TGTT. The c.2385delC mutation in PKP2 causes a shift in reading frame starting at codon Cysteine796, changing it to a Valine, and creates a premature Stop codon at position 4 of the new reading frame. Although this mutation has not been reported previously to our knowledge, it is expected to result in an abnormal, truncated protein or in absence of protein from this allele due to mRNA decay. Other frameshift mutations in the PKP2 gene have been reported in association with ARVC. The variant is found in PKP2 panel(s).